The following is an entry in ClinVar:

NM_024577.4(SH3TC2):c.3684T>A (p.His1228Gln)

Gene: SH3TC2 (SH3 domain and tetratricopeptide repeats 2; minus strand). Cytogenetic location: 5q32.
Variant type: single nucleotide variant.
Coding change: c.3684T>A on transcript NM_024577.4 (MANE Select); coding-DNA position 3684, T replaced by A.
Protein change: p.His1228Gln; replaces histidine 1228 with glutamine.
Molecular consequence: missense variant.
Genome position (GRCh38, 1-based): chr5:149,004,894, A>T on the plus strand (T>A on the coding strand, the complement: SH3TC2 is on the minus strand). VCF-style: chr5-149004894-A-T. GRCh37 (hg19) VCF-style: chr5-148384457-A-T.
Other names: short protein forms H1228Q.
Identifiers: ClinVar variation 1021587 (VCV001021587.8), dbSNP rs1753659994, ClinGen allele CA361663774.

ClinVar aggregate classification (germline): Uncertain significance (1 of 4 stars; one submission).

Conditions:
Charcot-Marie-Tooth disease type 4. Also called: Charcot-Marie-Tooth, Type 4; Charcot-Marie-Tooth disease, type IV. Identifiers: Orphanet 64749, MedGen C4082197, MONDO:0018995.

Submission:

Labcorp Genetics (formerly Invitae), Labcorp
Classification: Uncertain significance for Charcot-Marie-Tooth disease type 4. Last evaluated: 2020-03-16. Review status: criteria provided, single submitter. Criteria: Invitae Variant Classification Sherloc (09022015). Collection method: clinical testing. Allele origin: germline.
Comment: Algorithms developed to predict the effect of missense changes on protein structure and function (SIFT, PolyPhen-2, Align-GVGD) all suggest that this variant is likely to be tolerated, but these predictions have not been confirmed by published functional studies and their clinical significance is uncertain. This variant has not been reported in the literature in individuals with SH3TC2-related conditions. This variant is not present in population databases (ExAC no frequency). This sequence change replaces histidine with glutamine at codon 1228 of the SH3TC2 protein (p.His1228Gln). The histidine residue is highly conserved and there is a small physicochemical difference between histidine and glutamine. In summary, the available evidence is currently insufficient to determine the role of this variant in disease. Therefore, it has been classified as a Variant of Uncertain Significance.